The following is an entry in ClinVar:

NM_000535.7(PMS2):c.1819G>A (p.Val607Ile)

Gene: PMS2 (PMS1 homolog 2, mismatch repair system component; minus strand). Cytogenetic location: 7p22.1.
Variant type: single nucleotide variant.
Coding change: c.1819G>A on transcript NM_000535.7 (MANE Select); coding-DNA position 1819, G replaced by A.
Protein change: p.Val607Ile; replaces valine 607 with isoleucine.
Molecular consequence: missense variant. On other transcripts: non-coding transcript variant (1).
Genome position (GRCh38, 1-based): chr7:5,986,946, C>T on the plus strand (G>A on the coding strand, the complement: PMS2 is on the minus strand). VCF-style: chr7-5986946-C-T. GRCh37 (hg19) VCF-style: chr7-6026577-C-T.
Other names: c.1414G>A, p.Val472Ile (NM_001322003.2, NM_001322004.2, NM_001322005.2 and 1 more transcripts); c.1663G>A, p.Val555Ile (NM_001322006.2); c.1501G>A, p.Val501Ile (NM_001322007.2, NM_001322008.2); c.1258G>A, p.Val420Ile (NM_001322010.2); c.886G>A, p.Val296Ile (NM_001322011.2, NM_001322012.2); c.1246G>A, p.Val416Ile (NM_001322013.2); c.1819G>A, p.Val607Ile (NM_001322014.2); c.1510G>A, p.Val504Ile (NM_001322015.2); short protein forms V607I, V472I, V296I, V501I, V504I, V416I, V420I, V555I.
Identifiers: ClinVar variation 188154 (VCV000188154.27), dbSNP rs786204109, ClinGen allele CA010297.
Genomic context (GRCh38, chr7:5,986,946, plus strand): 5'-TAGCTAAAGAACTCATAGAAAAGTCCAGGGGCACAACTTTCTTATTAATTTTCACAGCTA[C>T]ATCAACCTGAGAGGCTGACATGTCCTGAGTATTTACTAACTTTTGACAAATGTCAGAACT-3'
Protein context (NP_000526.2, residues 597-617): TQDMSASQVD[Val607Ile]AVKINKKVVP

ClinVar aggregate classification (germline): Conflicting classifications of pathogenicity. Review status: criteria provided, conflicting classifications (1 of 4 stars). 7 submissions from 7 submitters: Uncertain significance (3); Likely benign (4). Last evaluated 2026-01-15.

Conditions:
Hereditary nonpolyposis colorectal neoplasms. Identifiers: MedGen C0009405, MeSH D003123.
Lynch syndrome. Identifiers: Orphanet 144, MedGen C4552100, MONDO:0005835. Disease mechanism: loss of function.
Hereditary cancer-predisposing syndrome. Also called: Neoplastic Syndromes, Hereditary; Tumor predisposition; Hereditary Cancer Syndrome; Hereditary neoplastic syndrome. Identifiers: Orphanet 140162, MedGen C0027672, MeSH D009386, MONDO:0015356.
Lynch syndrome 4 (LYNCH4). Also called: Colorectal cancer, hereditary nonpolyposis, type 4; Hereditary non-polyposis colorectal cancer, type 4. Identifiers: Orphanet 144, MedGen C1838333, MONDO:0013699, OMIM 614337. Disease mechanism: loss of function.

Allele frequency attached by ClinVar (database versions not stated): gnomAD 0.00001; gnomAD exomes 0.00001 and 0.00002; TOPMed 0.00001.
gnomAD v4.1: 30 of 1,613,858 alleles (0.0019%); highest among the groups gnomAD compares: African/African-American, 0.0027%; no homozygotes.

Submissions (7):

Labcorp Genetics (formerly Invitae), Labcorp
Classification: Uncertain significance for Hereditary nonpolyposis colorectal neoplasms. Last evaluated: 2026-01-15. Review status: criteria provided, single submitter. Criteria: Invitae Variant Classification Sherloc (09022015). Collection method: clinical testing. Allele origin: germline.
Comment: This sequence change replaces valine, which is neutral and non-polar, with isoleucine, which is neutral and non-polar, at codon 607 of the PMS2 protein (p.Val607Ile). This variant is present in population databases (rs786204109, gnomAD 0.003%). This variant has not been reported in the literature in individuals affected with PMS2-related conditions. ClinVar contains an entry for this variant (Variation ID: 188154). Invitae Evidence Modeling incorporating data from in vitro experimental studies (internal data) indicates that this missense variant is not expected to disrupt PMS2 function with a negative predictive value of 95%. In summary, the available evidence is currently insufficient to determine the role of this variant in disease. Therefore, it has been classified as a Variant of Uncertain Significance.

GeneDx
Classification: Uncertain significance. Last evaluated: 2025-04-10. Review status: criteria provided, single submitter. Criteria: GeneDx Variant Classification Process June 2021. Collection method: clinical testing. Allele origin: germline. Affected: yes.
Comment: Not observed at significant frequency in large population cohorts (gnomAD); In silico analysis indicates that this missense variant does not alter protein structure/function; Has not been previously published as pathogenic or benign to our knowledge

Color Diagnostics, LLC DBA Color Health
Classification: Likely benign for Hereditary cancer-predisposing syndrome. Last evaluated: 2024-10-17. Review status: criteria provided, single submitter. Criteria: ACMG Guidelines, 2015. Collection method: clinical testing. Allele origin: germline.

St. Jude Molecular Pathology, St. Jude Children's Research Hospital
Classification: Uncertain significance for Lynch syndrome 4. Last evaluated: 2024-06-27. Review status: criteria provided, single submitter. Criteria: St. Jude Assertion Criteria 2020. Collection method: clinical testing. Allele origin: germline.
Comment: The PMS2 c.1819G>A (p.Val607Ile) missense change has a maximum subpopulation frequency of 0.003% in gnomAD v2.1.1. The in silico tool REVEL predicts a benign effect on protein function, but to our knowledge this prediction has not been confirmed by functional studies. To our knowledge, this variant has not been reported in individuals with Lynch syndrome or constitutional mismatch repair deficiency. In summary, the evidence currently available is insufficient to determine the clinical significance of this variant. It has therefore been classified as of uncertain significance.

All of Us Research Program, National Institutes of Health
Classification: Likely benign for Lynch syndrome. Last evaluated: 2024-06-17. Review status: criteria provided, single submitter. Criteria: ACMG Guidelines, 2015. Collection method: clinical testing. Allele origin: germline. Inheritance: Autosomal dominant inheritance. Observed: 2 variant alleles, 2 heterozygotes.
Comment: This study involves interpretation of variants in research participants for the purpose of population health screening. Participant phenotype was not available at the time of variant classification. Additional details can be found in publication PMID: 35346344, PMCID: PMC8962531

Department of Pathology and Laboratory Medicine, Sinai Health System
Classification: Likely benign for Lynch syndrome. Last evaluated: 2021-08-10. Review status: criteria provided, single submitter. Criteria: ACMG Guidelines, 2015. Collection method: clinical testing. Allele origin: germline. Affected: yes.

Ambry Genetics
Classification: Likely benign for Hereditary cancer-predisposing syndrome. Last evaluated: 2019-01-22. Review status: criteria provided, single submitter. Criteria: Ambry Variant Classification Scheme 2023. Collection method: clinical testing. Allele origin: germline.